The following is an entry in ClinVar:

NM_006306.4(SMC1A):c.589A>G (p.Lys197Glu)

Gene: SMC1A (structural maintenance of chromosomes 1A; minus strand). Cytogenetic location: Xp11.22.
Variant type: single nucleotide variant.
Coding change: c.589A>G on transcript NM_006306.4 (MANE Select); coding-DNA position 589, A replaced by G.
Protein change: p.Lys197Glu; replaces lysine 197 with glutamic acid.
Molecular consequence: missense variant.
Genome position (GRCh38, 1-based): chrX:53,413,258, T>C on the plus strand (A>G on the coding strand, the complement: SMC1A is on the minus strand). VCF-style: chrX-53413258-T-C. GRCh37 (hg19) VCF-style: chrX-53440208-T-C.
Other names: c.523A>G, p.Lys175Glu (NM_001281463.1); short protein forms K197E, K175E.
Identifiers: ClinVar variation 4763914 (VCV004763914.1).

ClinVar aggregate classification (germline): Uncertain significance (1 of 4 stars; one submission).

Conditions:
Congenital muscular hypertrophy-cerebral syndrome (CDLS2). Also called: Cornelia de Lange syndrome 2; SMC1A-Related Cornelia de Lange Syndrome. Identifiers: Orphanet 199, MedGen C1802395, MONDO:0010370, OMIM 300590.

Submission:

Labcorp Genetics (formerly Invitae), Labcorp
Classification: Uncertain significance for Congenital muscular hypertrophy-cerebral syndrome. Last evaluated: 2026-01-03. Review status: criteria provided, single submitter. Criteria: Invitae Variant Classification Sherloc (09022015). Collection method: clinical testing. Allele origin: germline.
Comment: This sequence change replaces lysine, which is basic and polar, with glutamic acid, which is acidic and polar, at codon 197 of the SMC1A protein (p.Lys197Glu). This variant is not present in population databases (gnomAD no frequency). This missense change has been observed in individual(s) with SMC1A-related conditions (PMID: 33057194, 33504798, 35982159, 37010288). Invitae Evidence Modeling of protein sequence and biophysical properties (such as structural, functional, and spatial information, amino acid conservation, physicochemical variation, residue mobility, and thermodynamic stability) indicates that this missense variant is not expected to disrupt SMC1A protein function with a negative predictive value of 80%. In summary, the available evidence is currently insufficient to determine the role of this variant in disease. Therefore, it has been classified as a Variant of Uncertain Significance.

Literature cited by the submitters: PubMed 33057194; PubMed 33504798; PubMed 35982159; PubMed 37010288.